The following is an entry in ClinVar:

ClinVar aggregate classification (germline): Pathogenic. Review status: criteria provided, multiple submitters, no conflicts (2 of 4 stars). 10 submissions from 10 submitters: Pathogenic (6). 4 of the submissions do not count toward it. Last evaluated 2024-05-23.

Conditions:
Imerslund-Grasbeck syndrome. Also called: ENTEROCYTE COBALAMIN MALABSORPTION; ENTEROCYTE INTRINSIC FACTOR RECEPTOR, DEFECT OF; PERNICIOUS ANEMIA, JUVENILE, DUE TO SELECTIVE INTESTINAL MALABSORPTION OF VITAMIN B12, WITH PROTEINURIA; Megaloblastic anemia due to inborn errors of metabolism; Imerslund-Gräsbeck syndrome. Identifiers: Orphanet 35858, MedGen C4551825, MONDO:0009853.
Imerslund-Grasbeck syndrome type 1 (IGS1). Also called: MEGALOBLASTIC ANEMIA, 1; Imerslund-Gräsbeck syndrome 1; Megaloblastic anemia 1, Finnish type. Identifiers: MedGen C4016819, MONDO:0100156, OMIM 261100.
Imerslund-Grasbeck syndrome type 2. Also called: MEGALOBLASTIC ANEMIA, NORWEGIAN TYPE; Imerslund-Gräsbeck syndrome 2; Megaloblastic anemia 1, Norwegian type. Identifiers: MedGen C4016948, MONDO:0100157, OMIM 618882.

Allele frequency attached by ClinVar (database versions not stated): gnomAD 0.00001; TOPMed 0.00002; gnomAD exomes 0.00004; 1000 Genomes Project 30x 0.00031.
gnomAD v4.1: 59 of 1,596,518 alleles (0.0037%); highest among the groups gnomAD compares: Non-Finnish European, 0.0047%; no homozygotes.

Submissions (10):

Fulgent Genetics
Classification: Pathogenic for Imerslund-Grasbeck syndrome type 2. Last evaluated: 2024-05-23. Review status: criteria provided, single submitter. Criteria: ACMG Guidelines, 2015. Collection method: clinical testing. Allele origin: germline.

Institute of Medical Genetics and Applied Genomics, University Hospital Tübingen
Classification: Pathogenic for Imerslund-Grasbeck syndrome type 2. Last evaluated: 2024-03-25. Review status: criteria provided, single submitter. Criteria: ACMG Guidelines, 2015. Collection method: clinical testing. Allele origin: germline. Inheritance: Autosomal recessive inheritance. Affected: yes.

Labcorp Genetics (formerly Invitae), Labcorp
Classification: Pathogenic for Imerslund-Grasbeck syndrome. Last evaluated: 2023-12-28. Review status: criteria provided, single submitter. Criteria: Invitae Variant Classification Sherloc (09022015). Collection method: clinical testing. Allele origin: germline.
Comment: This sequence change affects an acceptor splice site in intron 3 of the AMN gene. It is expected to disrupt RNA splicing. Variants that disrupt the donor or acceptor splice site typically lead to a loss of protein function (PMID: 16199547), and loss-of-function variants in AMN are known to be pathogenic (PMID: 12590260, 22929189). This variant is present in population databases (rs386834170, gnomAD 0.006%). Disruption of this splice site has been observed in individuals with Imerslund-Gräsbeck Syndrome (PMID: 12590260, 22078000, 24044590, 32045704). It has also been observed to segregate with disease in related individuals. ClinVar contains an entry for this variant (Variation ID: 56751). Algorithms developed to predict the effect of sequence changes on RNA splicing suggest that this variant may disrupt the consensus splice site. For these reasons, this variant has been classified as Pathogenic.

CeGaT Center for Human Genetics Tuebingen
Classification: Pathogenic. Last evaluated: 2023-09-01. Review status: criteria provided, single submitter. Criteria: CeGaT Center For Human Genetics Tuebingen Variant Classification Criteria Version 2. Collection method: clinical testing. Allele origin: germline. Affected: yes. Observed: 2 variant alleles.
Comment: AMN: PVS1, PM2, PM3

3billion
Classification: Pathogenic for Imerslund-Grasbeck syndrome type 2. Last evaluated: 2022-09-01. Review status: criteria provided, single submitter. Criteria: ACMG Guidelines, 2015. Collection method: clinical testing. Allele origin: germline. Affected: yes. Observed: 1 homozygote.
Comment: The variant is observed at an extremely low frequency in the gnomAD v2.1.1 dataset (total allele frequency: 0.004%). Canonical splice site is predicted to alter splicing and result in a loss or disruption of normal protein function. Multiple pathogenic loss-of-function variants are reported downstream of the variant. The variant has been reported at least twice as pathogenic without evidence for the classification (ClinVar ID: VCV000056751). Therefore, this variant is classified as Pathogenic according to the recommendation of ACMG/AMP guideline.

Department of Human Genetics, Hannover Medical School
Classification: Pathogenic for Imerslund-Grasbeck syndrome type 2. Last evaluated: 2021-12-15. Review status: criteria provided, single submitter. Criteria: ACMG Guidelines, 2015. Collection method: clinical testing. Allele origin: germline. Inheritance: Autosomal recessive inheritance. Affected: yes.

Bioscientia Institut fuer Medizinische Diagnostik GmbH, Sonic Healthcare
Classification: Pathogenic for Imerslund-Grasbeck syndrome type 1. Last evaluated: 2020-01-21. Review status: no assertion criteria provided. Collection method: clinical testing. Allele origin: germline. Affected: yes. Not counted in ClinVar's aggregate classification.

OMIM
Classification: Pathogenic for IMERSLUND-GRASBECK SYNDROME 2. Last evaluated: 2007-01-01. Review status: no assertion criteria provided. Collection method: literature only. Allele origin: germline. Not counted in ClinVar's aggregate classification.

Inserm U 954, Faculté de Médecine de Nancy
No classification provided. Condition: Megaloblastic anemia due to inborn errors of metabolism. Review status: no classification provided. Collection method: not provided. Allele origin: unknown. Not counted in ClinVar's aggregate classification.
Comment: Namour F, Dobrovoljski G, Chery C, Audonnet S, Feillet F, Sperl W, Gueant JL. Luminal expression of cubilin is impaired in Imerslund-Grasbeck syndrome with compound AMN mutations in intron 3 and exon 7. Haematologica. 2011 Nov;96(11):1715-9. doi: 10.3324/haematol.2011.043984.

Juha Muilu Group; Institute for Molecular Medicine Finland (FIMM)
Classification: Likely pathogenic for Megaloblastic anemia due to inborn errors of metabolism. Review status: no assertion criteria provided. Collection method: not provided. Allele origin: unknown. Not counted in ClinVar's aggregate classification.
Comment: FinDis database variant: This variant was not found or characterized by our laboratory, data were collected from public sources: see reference
ClinVar note: Converted during submission from probable-pathogenic to Likely pathogenic.

Literature cited by the submitters: PubMed 16199547 (cited by Labcorp Genetics (formerly Invitae), Labcorp); PubMed 12590260 (cited by Labcorp Genetics (formerly Invitae), Labcorp and OMIM); PubMed 22929189 (cited by Labcorp Genetics (formerly Invitae), Labcorp); PubMed 22078000 (cited by Labcorp Genetics (formerly Invitae), Labcorp); PubMed 24044590 (cited by Labcorp Genetics (formerly Invitae), Labcorp); PubMed 32045704 (cited by Labcorp Genetics (formerly Invitae), Labcorp); PubMed 17285242 (cited by OMIM); PubMed 24156255 (cited by OMIM).

NM_030943.4(AMN):c.208-2A>G

Genes: AMN (amnion associated transmembrane protein; plus strand), CDC42BPB (CDC42 binding protein kinase beta; minus strand), LOC130056553 (ATAC-STARR-seq lymphoblastoid silent region 6135; plus strand). Cytogenetic location: 14q32.32.
Variant type: single nucleotide variant.
Coding change: c.208-2A>G on transcript NM_030943.4 (MANE Select); the canonical splice acceptor site of the intron before coding-DNA position 208, A replaced by G.
Molecular consequence: splice acceptor variant.
Genome position (GRCh38, 1-based): chr14:102,928,424, A>G. VCF-style: chr14-102928424-A-G. GRCh37 (hg19) VCF-style: chr14-103394761-A-G.
Other names: IVS3, A-G, -2.
Identifiers: ClinVar variation 56751 (VCV000056751.47), dbSNP rs386834170, ClinGen allele CA144409.